The following is an entry in ClinVar:

NM_001614.5(ACTG1):c.630C>T (p.Arg210=)

Gene: ACTG1 (actin gamma 1; minus strand). Cytogenetic location: 17q25.3.
Variant type: single nucleotide variant.
Coding change: c.630C>T on transcript NM_001614.5 (MANE Select); coding-DNA position 630, C replaced by T.
Protein change: p.Arg210=; no amino-acid change (arginine 210 retained).
Molecular consequence: synonymous variant. On other transcripts: non-coding transcript variant (1).
Genome position (GRCh38, 1-based): chr17:81,511,360, G>A on the plus strand (C>T on the coding strand, the complement: ACTG1 is on the minus strand). VCF-style: chr17-81511360-G-A. GRCh37 (hg19) VCF-style: chr17-79478386-G-A.
Other names: c.630C>T, p.Arg210= (NM_001199954.3).
Identifiers: ClinVar variation 3048291 (VCV003048291.5), dbSNP rs202020778, ClinGen allele CA8836032.

ClinVar aggregate classification (germline): Conflicting classifications of pathogenicity. Review status: criteria provided, conflicting classifications (1 of 4 stars). 3 submissions from 3 submitters: Uncertain significance (1); Likely benign (1). 1 of the submissions does not count toward it. Last evaluated 2024-02-10.

Conditions:
ACTG1-related disorder. Also called: ACTG1-related disorders; ACTG1-related condition.
Autosomal dominant nonsyndromic hearing loss 20. Identifiers: Orphanet 90635, MedGen C1858172, MONDO:0011480, OMIM 604717.
Baraitser-winter syndrome 2. Identifiers: Orphanet 2995, MedGen C3281235, MONDO:0013812, OMIM 614583.

Allele frequency attached by ClinVar (database versions not stated): ExAC 0.00003; gnomAD 0.00003; ESP Exome Variant Server 0.00008; 1000 Genomes Project 30x 0.00016; 1000 Genomes Project 0.00020.

Submissions (3):

Labcorp Genetics (formerly Invitae), Labcorp
Classification: Likely benign for Baraitser-winter syndrome 2; Autosomal dominant nonsyndromic hearing loss 20. Last evaluated: 2024-02-10. Review status: criteria provided, single submitter. Criteria: Invitae Variant Classification Sherloc (09022015). Collection method: clinical testing. Allele origin: germline.

Fulgent Genetics
Classification: Uncertain significance for Autosomal dominant nonsyndromic hearing loss 20; Baraitser-winter syndrome 2. Last evaluated: 2023-12-27. Review status: criteria provided, single submitter. Criteria: ACMG Guidelines, 2015. Collection method: clinical testing. Allele origin: germline.

PreventionGenetics, part of Exact Sciences
Classification: Likely benign for ACTG1-related condition. Last evaluated: 2019-12-18. Review status: no assertion criteria provided. Collection method: clinical testing. Allele origin: germline. Not counted in ClinVar's aggregate classification.
Comment: This variant is classified as likely benign based on ACMG/AMP sequence variant interpretation guidelines (Richards et al. 2015 PMID: 25741868, with internal and published modifications).